The following is an entry in ClinVar:

NM_144563.3(RPIA):c.*531T>G

Gene: RPIA (ribose 5-phosphate isomerase A; plus strand). Cytogenetic location: 2p11.2.
Variant type: single nucleotide variant.
Coding change: c.*531T>G on transcript NM_144563.3 (MANE Select); 531 bases downstream of the stop codon, T replaced by G.
Molecular consequence: 3 prime UTR variant.
Genome position (GRCh38, 1-based): chr2:88,750,609, T>G. VCF-style: chr2-88750609-T-G. GRCh37 (hg19) VCF-style: chr2-89050126-T-G.
Identifiers: ClinVar variation 337440 (VCV000337440.6), dbSNP rs6974, ClinGen allele CA10614611.

ClinVar aggregate classification (germline): Benign. Review status: criteria provided, multiple submitters, no conflicts (2 of 4 stars). 2 submissions from 2 submitters: Benign (2). Last evaluated 2018-01-13.

Conditions:
Deficiency of ribose-5-phosphate isomerase. Also called: Ribose-5-P isomerase deficiency. Identifiers: Orphanet 440706, MedGen C1291609, MONDO:0012073, OMIM 608611.

Allele frequency attached by ClinVar (database versions not stated): 1000 Genomes Project 30x 0.18582; 1000 Genomes Project 0.18950; TOPMed 0.21878; gnomAD 0.22151 and 0.22422; gnomAD exomes 0.26630.
gnomAD v4.1: 101,765 of 405,504 alleles (25%); highest among the groups gnomAD compares: Middle Eastern, 42%; 13,719 homozygotes.

Submissions (2):

Illumina Laboratory Services, Illumina
Classification: Benign for Deficiency of ribose-5-phosphate isomerase. Last evaluated: 2018-01-13. Review status: criteria provided, single submitter. Criteria: ICSL Variant Classification Criteria 13 December 2019. Collection method: clinical testing. Allele origin: germline.
Comment: This variant was observed in the ICSL laboratory as part of a predisposition screen in an ostensibly healthy population. It had not been previously curated by ICSL or reported in the Human Gene Mutation Database (HGMD: prior to June 1st, 2018), and was therefore a candidate for classification through an automated scoring system. Utilizing variant allele frequency, disease prevalence and penetrance estimates, and inheritance mode, an automated score was calculated to assess if this variant is too frequent to cause the disease. Based on the score and internal cut-off values, a variant classified as benign is not then subjected to further curation. The score for this variant resulted in a classification of benign for this disease.

Breakthrough Genomics
Classification: Benign. Review status: criteria provided, single submitter. Criteria: ACMG Guidelines, 2015. Collection method: not provided. Allele origin: germline. Inheritance: Autosomal recessive inheritance. Affected: yes.